The following is an entry in ClinVar:

ClinVar aggregate classification (germline): Uncertain significance (1 of 4 stars; one submission).

Conditions:
Hereditary spastic paraplegia 28. Also called: Spastic paraplegia 28, autosomal recessive. Identifiers: Orphanet 101008, MedGen C1836295, MONDO:0012256, OMIM 609340.

Submission:

Labcorp Genetics (formerly Invitae), Labcorp
Classification: Uncertain significance for Hereditary spastic paraplegia 28. Last evaluated: 2025-03-17. Review status: criteria provided, single submitter. Criteria: Invitae Variant Classification Sherloc (09022015). Collection method: clinical testing. Allele origin: germline.
Comment: This variant, c.331_336del, results in the deletion of 2 amino acid(s) of the DDHD1 protein (p.Gly111_Gly112del), but otherwise preserves the integrity of the reading frame. This variant is not present in population databases (gnomAD no frequency). This variant has not been reported in the literature in individuals affected with DDHD1-related conditions. Experimental studies and prediction algorithms are not available or were not evaluated, and the functional significance of this variant is currently unknown. In summary, the available evidence is currently insufficient to determine the role of this variant in disease. Therefore, it has been classified as a Variant of Uncertain Significance.

NM_001160148.2(DDHD1):c.325GGC[2] (p.Gly111_Gly112del)

Gene: DDHD1 (DDHD domain containing 1; minus strand). Cytogenetic location: 14q22.1.
Variant type: Microsatellite.
Coding change: c.325GGC[2] on transcript NM_001160148.2 (MANE Select); two copies in a row of the 3-base unit GGC starting at c.325; the reference has four copies in a row; two copies, 6 bases deleted.
Protein change: p.Gly111_Gly112del.
Molecular consequence: inframe deletion.
Genome position (GRCh38, 1-based): chr14:53,152,763-53,152,768, GCCGCC deleted on the plus strand (GGCGGC on the coding strand, the reverse complement: DDHD1 is on the minus strand); deleting any 6 consecutive bases within chr14:53,152,763-53,152,776 gives the same sequence; the position shown is the placement nearest the transcript's 3' end. VCF-style (leftmost placement, unchanged base first): chr14-53152762-TGCCGCC-T. GRCh37 (hg19) VCF-style: chr14-53619480-TGCCGCC-T.
Other names: c.325GGC[2], p.Gly111_Gly112del (NM_001160147.2, NM_030637.3).
Identifiers: ClinVar variation 2143744 (VCV002143744.4), dbSNP rs55671452, ClinGen allele CA2575530762.